The following is an entry in ClinVar:

NM_181486.4(TBX5):c.1084C>T (p.Gln362Ter)

Gene: TBX5 (T-box transcription factor 5; minus strand). Cytogenetic location: 12q24.21.
Variant type: single nucleotide variant.
Coding change: c.1084C>T on transcript NM_181486.4 (MANE Select); coding-DNA position 1084, C replaced by T.
Protein change: p.Gln362Ter; replaces glutamine 362 with a stop codon.
Molecular consequence: nonsense.
Genome position (GRCh38, 1-based): chr12:114,356,005, G>A on the plus strand (C>T on the coding strand, the complement: TBX5 is on the minus strand). VCF-style: chr12-114356005-G-A. GRCh37 (hg19) VCF-style: chr12-114793810-G-A.
Other names: c.1084C>T, p.Gln362Ter (NM_000192.3); c.934C>T, p.Gln312Ter (NM_080717.4); short protein forms Q362*, Q312*.
Identifiers: ClinVar variation 633731 (VCV000633731.3), dbSNP rs765204502, ClinGen allele CA386925820.

ClinVar aggregate classification (germline): Pathogenic. Review status: criteria provided, single submitter (1 of 4 stars). 2 submissions from 2 submitters: Pathogenic (1). 1 of the submissions does not count toward it. Last evaluated 2025-03-03.

Conditions:
Holt-Oram syndrome (HOS). Also called: TBX5-Related Holt-Oram Syndrome; Ventriculo-radial syndrome; Cardiac-limb syndrome; Heart-hand syndrome, type 1. Identifiers: Orphanet 392, MedGen C0265264, MONDO:0007732, OMIM 142900.
Aortic valve disease 2 (AOVD2). Identifiers: MedGen C3542024, MONDO:0013902, OMIM 614823.

Submissions (2):

Labcorp Genetics (formerly Invitae), Labcorp
Classification: Pathogenic for Aortic valve disease 2. Last evaluated: 2025-03-03. Review status: criteria provided, single submitter. Criteria: Invitae Variant Classification Sherloc (09022015). Collection method: clinical testing. Allele origin: germline.
Comment: This sequence change creates a premature translational stop signal (p.Gln362*) in the TBX5 gene. While this is not anticipated to result in nonsense mediated decay, it is expected to disrupt the last 157 amino acid(s) of the TBX5 protein. This variant is not present in population databases (gnomAD no frequency). This premature translational stop signal has been observed in individual(s) with Holt-Oram syndrome (PMID: 15710732). ClinVar contains an entry for this variant (Variation ID: 633731). This variant disrupts a region of the TBX5 protein in which other variant(s) (p.Tyr368*) have been determined to be pathogenic (internal data). This suggests that this is a clinically significant region of the protein, and that variants that disrupt it are likely to be disease-causing. For these reasons, this variant has been classified as Pathogenic.

Centre de Biologie Pathologie Génétique, Centre Hospitalier Universitaire de Lille
Classification: Pathogenic for Holt-Oram syndrome. Last evaluated: 2018-06-14. Review status: no assertion criteria provided. Collection method: clinical testing. Allele origin: unknown. Affected: yes. Not counted in ClinVar's aggregate classification.

Literature cited by the submitters: PubMed 15710732 (cited by Labcorp Genetics (formerly Invitae), Labcorp).